The following is an entry in ClinVar:

NM_000092.5(COL4A4):c.2115T>A (p.His705Gln)

Gene: COL4A4 (collagen type IV alpha 4 chain; minus strand). Cytogenetic location: 2q36.3.
Variant type: single nucleotide variant.
Coding change: c.2115T>A on transcript NM_000092.5 (MANE Select); coding-DNA position 2115, T replaced by A.
Protein change: p.His705Gln; replaces histidine 705 with glutamine.
Molecular consequence: missense variant.
Genome position (GRCh38, 1-based): chr2:227,060,185, A>T on the plus strand (T>A on the coding strand, the complement: COL4A4 is on the minus strand). VCF-style: chr2-227060185-A-T. GRCh37 (hg19) VCF-style: chr2-227924901-A-T.
Other names: short protein forms H705Q.
Identifiers: ClinVar variation 2158973 (VCV002158973.6), dbSNP rs375898877, ClinGen allele CA2144945.

ClinVar aggregate classification (germline): Conflicting classifications of pathogenicity. Review status: criteria provided, conflicting classifications (1 of 4 stars). 3 submissions from 3 submitters: Uncertain significance (1); Likely benign (2). Last evaluated 2025-08-29.

Conditions:
Inborn genetic diseases. Identifiers: MedGen C0950123, MeSH D030342.

Allele frequency attached by ClinVar (database versions not stated): gnomAD 0.00004; ExAC 0.00005; gnomAD exomes 0.00016; ESP Exome Variant Server 0.00017.

Submissions (3):

Ambry Genetics
Classification: Likely benign for Inborn genetic diseases. Last evaluated: 2025-08-29. Review status: criteria provided, single submitter. Criteria: Ambry Variant Classification Scheme 2023. Collection method: clinical testing. Allele origin: germline.

GeneDx
Classification: Uncertain significance. Last evaluated: 2024-04-05. Review status: criteria provided, single submitter. Criteria: GeneDx Variant Classification Process June 2021. Collection method: clinical testing. Allele origin: germline. Affected: yes.
Comment: In silico analysis indicates that this missense variant does not alter protein structure/function; Occurs in the triple helical domain at the X position in the canonical Gly-X-Y repeat; although this variant may have an effect on normal protein folding and function, missense substitution at the X position is not a common mechanism of disease; Has not been previously published as pathogenic or benign to our knowledge

Labcorp Genetics (formerly Invitae), Labcorp
Classification: Likely benign. Last evaluated: 2024-03-10. Review status: criteria provided, single submitter. Criteria: Invitae Variant Classification Sherloc (09022015). Collection method: clinical testing. Allele origin: germline.